The following is an entry in ClinVar:

NM_145691.4(ATPAF2):c.412G>A (p.Asp138Asn)

Gene: ATPAF2 (ATP synthase mitochondrial F1 complex assembly factor 2; minus strand). Cytogenetic location: 17p11.2.
Variant type: single nucleotide variant.
Coding change: c.412G>A on transcript NM_145691.4 (MANE Select); coding-DNA position 412, G replaced by A.
Protein change: p.Asp138Asn; replaces aspartic acid 138 with asparagine.
Molecular consequence: missense variant.
Genome position (GRCh38, 1-based): chr17:18,026,329, C>T on the plus strand (G>A on the coding strand, the complement: ATPAF2 is on the minus strand). VCF-style: chr17-18026329-C-T. GRCh37 (hg19) VCF-style: chr17-17929643-C-T.
Other names: short protein forms D138N.
Identifiers: ClinVar variation 635075 (VCV000635075.1), dbSNP rs1568572298, ClinGen allele CA398577768.

ClinVar aggregate classification (germline): Uncertain significance (1 of 4 stars; one submission).

Conditions:
Mitochondrial complex V (ATP synthase) deficiency, nuclear type 1. Also called: Nuclear-Encoded ATPase Deficiency, ATPAF2-Related; MITOCHONDRIAL COMPLEX V (ATP SYNTHASE) DEFICIENCY, ATPAF2 TYPE. Identifiers: Orphanet 254913, MedGen C3276276, MONDO:0011421, OMIM 604273.

Allele frequency attached by ClinVar (database versions not stated): gnomAD exomes below 0.00001.
gnomAD v4.1: 2 of 1,614,006 alleles (0.00012%); highest among the groups gnomAD compares: Admixed American, 0.0017%; no homozygotes.

Submission:

Broad Center for Mendelian Genomics, Broad Institute of MIT and Harvard
Classification: Uncertain significance for Mitochondrial complex V (ATP synthase) deficiency, nuclear type 1. Last evaluated: 2018-06-15. Review status: criteria provided, single submitter. Criteria: ACMG Guidelines, 2015. Collection method: research. Allele origin: germline. Inheritance: Autosomal recessive inheritance. Affected: yes.
Comment: This variant was absent from large population studies. The Aspartic Acid (Asp) at position 138 is highly conserved in mammals and evolutionarily distant species, raising the possibility that a change at this position may not be tolerated. Computational prediction tools suggest that this variant may impact the protein, though this information is not predictive enough to determine pathogenicity. In summary, the clinical significance of this variant is uncertain.